The following is an entry in ClinVar:

NM_003086.4(SNAPC4):c.2389-5C>T

Gene: SNAPC4 (small nuclear RNA activating complex polypeptide 4; minus strand). Cytogenetic location: 9q34.3.
Variant type: single nucleotide variant.
Coding change: c.2389-5C>T on transcript NM_003086.4 (MANE Select); 5 bases into the intron before coding-DNA position 2389, C replaced by T.
Molecular consequence: intron variant.
Genome position (GRCh38, 1-based): chr9:136,380,855, G>A on the plus strand (C>T on the coding strand, the complement: SNAPC4 is on the minus strand). VCF-style: chr9-136380855-G-A. GRCh37 (hg19) VCF-style: chr9-139275307-G-A.
Other names: c.2305-5C>T (NM_001394203.1, NM_001394202.1); c.2389-5C>T (NM_001394201.1).
Identifiers: ClinVar variation 4872103 (VCV004872103.2).

ClinVar aggregate classification (germline): Likely benign (1 of 4 stars; one submission).

gnomAD v4.1: 4,705 of 1,555,592 alleles (0.3%); highest among the groups gnomAD compares: Non-Finnish European, 0.37%; 21 homozygotes.

Submission:

CeGaT Center for Human Genetics Tuebingen
Classification: Likely benign. Last evaluated: 2026-08-01. Review status: criteria provided, single submitter. Criteria: CeGaT Center For Human Genetics Tuebingen Variant Classification Criteria Version 2. Collection method: clinical testing. Allele origin: germline. Affected: yes. Observed: 2 variant alleles.
Comment: SNAPC4: BP4, BS2